The following is an entry in ClinVar:

ClinVar aggregate classification (germline): Uncertain significance. Review status: criteria provided, single submitter (1 of 4 stars). 2 submissions from 2 submitters: Uncertain significance (1). 1 of the submissions does not count toward it. Last evaluated 2025-09-11.

Conditions:
Wilson disease (WND). Also called: Wilson's disease. Identifiers: Orphanet 905, MedGen C0019202, MONDO:0010200, OMIM 277900. Disease mechanism: loss of function.

Allele frequency attached by ClinVar (database versions not stated): gnomAD below 0.00001 and 0.00001; ExAC 0.00002; gnomAD exomes 0.00002 and 0.00003.
gnomAD v4.1: 32 of 1,614,064 alleles (0.002%); highest among the groups gnomAD compares: South Asian, 0.033%; no homozygotes.

Submissions (2):

Color Diagnostics, LLC DBA Color Health
Classification: Uncertain significance for Wilson disease. Last evaluated: 2025-09-11. Review status: criteria provided, single submitter. Criteria: ACMG Guidelines, 2015. Collection method: clinical testing. Allele origin: germline.
Comment: This missense variant replaces alanine with threonine at codon 468 of the ATP7B protein. Computational prediction suggests that this variant may not impact protein structure and function. To our knowledge, functional studies have not been reported for this variant. This variant has not been reported in individuals affected with ATP7B-related disorders in the literature. This variant has been identified in 8/249370 chromosomes in the general population by the Genome Aggregation Database (gnomAD). The available evidence is insufficient to determine the role of this variant in disease conclusively. Therefore, this variant is classified as a Variant of Uncertain Significance.

Natera, Inc.
Classification: Uncertain significance for Wilson disease. Last evaluated: 2020-04-15. Review status: no assertion criteria provided. Collection method: clinical testing. Allele origin: germline. Not counted in ClinVar's aggregate classification.

NM_000053.4(ATP7B):c.1402G>A (p.Ala468Thr)

Gene: ATP7B (ATPase copper transporting beta; minus strand). Cytogenetic location: 13q14.3.
Variant type: single nucleotide variant.
Coding change: c.1402G>A on transcript NM_000053.4 (MANE Select); coding-DNA position 1402, G replaced by A.
Protein change: p.Ala468Thr; replaces alanine 468 with threonine.
Molecular consequence: missense variant.
Genome position (GRCh38, 1-based): chr13:51,970,633, C>T on the plus strand (G>A on the coding strand, the complement: ATP7B is on the minus strand). VCF-style: chr13-51970633-C-T. GRCh37 (hg19) VCF-style: chr13-52544769-C-T.
Other names: c.1402G>A, p.Ala468Thr (NM_001005918.3, NM_001330578.2, NM_001330579.2); c.1069G>A, p.Ala357Thr (NM_001243182.2); short protein forms A357T, A468T.
Identifiers: ClinVar variation 991749 (VCV000991749.2), dbSNP rs760282247, ClinGen allele CA6989356.
Genomic context (GRCh38, chr13:51,970,633, plus strand): 5'-GCGGTGCCACTGCTCTGGTTGATTGTGGGGACTTTGCCAAGATGTCCGGGGCATGGTTTG[C>T]AGGGAGCCTCCCAGTGTGGGGAGCCACTTCCTGCACAGATGTAGGTGTACCATCTGTAGT-3'
Protein context (NP_000044.2, residues 458-478): EVAPHTGRLP[Ala468Thr]NHAPDILAKS